The following is an entry in ClinVar:

NM_024884.3(L2HGDH):c.751C>T (p.Arg251Ter)

Gene: L2HGDH (L-2-hydroxyglutarate dehydrogenase; minus strand). Cytogenetic location: 14q21.3.
Variant type: single nucleotide variant.
Coding change: c.751C>T on transcript NM_024884.3 (MANE Select); coding-DNA position 751, C replaced by T.
Protein change: p.Arg251Ter; replaces arginine 251 with a stop codon.
Molecular consequence: nonsense.
Genome position (GRCh38, 1-based): chr14:50,269,318, G>A on the plus strand (C>T on the coding strand, the complement: L2HGDH is on the minus strand). VCF-style: chr14-50269318-G-A. GRCh37 (hg19) VCF-style: chr14-50736036-G-A.
Other names: c.751C>T (NM_024884.2); short protein forms R251*.
Identifiers: ClinVar variation 2137582 (VCV002137582.6), dbSNP rs547796370, ClinGen allele CA7177897.

ClinVar aggregate classification (germline): Pathogenic. Review status: criteria provided, multiple submitters, no conflicts (2 of 4 stars). 3 submissions from 3 submitters: Pathogenic (3). Last evaluated 2025-07-31.

Conditions:
L-2-hydroxyglutaric aciduria (L2HGA). Identifiers: Orphanet 79314, MedGen C1855995, MONDO:0009370, OMIM 236792, HP:0040144.

Allele frequency attached by ClinVar (database versions not stated): gnomAD 0.00001; gnomAD exomes 0.00001; ExAC 0.00002; 1000 Genomes Project 30x 0.00016; 1000 Genomes Project 0.00020.
gnomAD v4.1: 14 of 1,613,916 alleles (0.00087%); highest among the groups gnomAD compares: South Asian, 0.0033%; no homozygotes.

Submissions (3):

First Genomix Gene Laboratory, Genetic Diagnostics Department
Classification: Pathogenic for L-2-hydroxyglutaric aciduria. Last evaluated: 2025-07-31. Review status: criteria provided, single submitter. Criteria: ACMG Guidelines, 2015. Collection method: clinical testing. Allele origin: germline. Inheritance: Autosomal recessive inheritance. Affected: no. Observed: 1 variant allele.

Victorian Clinical Genetics Services, Murdoch Childrens Research Institute
Classification: Pathogenic for L-2-hydroxyglutaric aciduria. Last evaluated: 2024-10-09. Review status: criteria provided, single submitter. Criteria: ACMG Guidelines, 2015. Collection method: clinical testing. Allele origin: germline. Inheritance: Autosomal recessive inheritance. Affected: yes.
Comment: Based on the classification scheme VCGS_Germline_v1.3.4, this variant is classified as Pathogenic. Following criteria are met: 0102 - Loss of function is a known mechanism of disease in this gene and is associated with L-2-hydroxyglutaric aciduria (MIM#236792) . (I) 0106 - This gene is associated with autosomal recessive disease. (I) 0201 - Variant is predicted to cause nonsense-mediated decay (NMD) and loss of protein (premature termination codon is located at least 54 nucleotides upstream of the final exon-exon junction). (SP) 0251 - This variant is heterozygous. (I) 0304 - Variant is present in gnomAD (v2) <0.01 for a recessive condition (3 heterozygotes, 0 homozygotes). (SP) 0701 - Other NMD-predicted variants comparable to the one identified in this case have very strong previous evidence for pathogenicity. Many NMD-predicted variants have been reported as pathogenic (ClinVar). (SP) 0802 - This variant has moderate previous evidence of pathogenicity in unrelated individuals. This variant has been reported once as pathogenic in ClinVar and has been reported as homozygous and compound heterozygous in three unrelated families with L-2-hydroxyglutaric aciduria (PMIDs: 18415700, 20052767). (SP) 1208 - Inheritance information for this variant is not currently available in this individual. (I) Legend: (SP) - Supporting pathogenic, (I) - Information, (SB) - Supporting benign

Labcorp Genetics (formerly Invitae), Labcorp
Classification: Pathogenic for L-2-hydroxyglutaric aciduria. Last evaluated: 2024-04-20. Review status: criteria provided, single submitter. Criteria: Invitae Variant Classification Sherloc (09022015). Collection method: clinical testing. Allele origin: germline.
Comment: This sequence change creates a premature translational stop signal (p.Arg251*) in the L2HGDH gene. It is expected to result in an absent or disrupted protein product. Loss-of-function variants in L2HGDH are known to be pathogenic (PMID: 16134148, 20052767). This variant is present in population databases (rs547796370, gnomAD 0.006%). This premature translational stop signal has been observed in individual(s) with L-2-hydroxyglutaric aciduria (PMID: 18415700). ClinVar contains an entry for this variant (Variation ID: 2137582). For these reasons, this variant has been classified as Pathogenic.

Literature cited by the submitters: PubMed 18415700 (cited by Victorian Clinical Genetics Services, Murdoch Childrens Research Institute and Labcorp Genetics (formerly Invitae), Labcorp); PubMed 20052767 (cited by Victorian Clinical Genetics Services, Murdoch Childrens Research Institute and Labcorp Genetics (formerly Invitae), Labcorp); PubMed 16134148 (cited by Labcorp Genetics (formerly Invitae), Labcorp).